The following is an entry in ClinVar:

NM_001039141.3(TRIOBP):c.2251C>T (p.Arg751Trp)

Gene: TRIOBP (TRIO and F-actin binding protein; plus strand). Cytogenetic location: 22q13.1.
Variant type: single nucleotide variant.
Coding change: c.2251C>T on transcript NM_001039141.3 (MANE Select); coding-DNA position 2251, C replaced by T.
Protein change: p.Arg751Trp; replaces arginine 751 with tryptophan.
Molecular consequence: missense variant.
Genome position (GRCh38, 1-based): chr22:37,724,807, C>T. VCF-style: chr22-37724807-C-T. GRCh37 (hg19) VCF-style: chr22-38120814-C-T.
Other names: short protein forms R751W.
Identifiers: ClinVar variation 2138981 (VCV002138981.4), dbSNP rs377358503, ClinGen allele CA10223832.

ClinVar aggregate classification (germline): Uncertain significance (1 of 4 stars; one submission).

Allele frequency attached by ClinVar (database versions not stated): ExAC 0.00001; gnomAD 0.00001.
gnomAD v4.1: 25 of 1,612,898 alleles (0.0016%); highest among the groups gnomAD compares: African/African-American, 0.004%; no homozygotes.

Submission:

Labcorp Genetics (formerly Invitae), Labcorp
Classification: Uncertain significance. Last evaluated: 2022-03-01. Review status: criteria provided, single submitter. Criteria: Invitae Variant Classification Sherloc (09022015). Collection method: clinical testing. Allele origin: germline.
Comment: In summary, the available evidence is currently insufficient to determine the role of this variant in disease. Therefore, it has been classified as a Variant of Uncertain Significance. Algorithms developed to predict the effect of missense changes on protein structure and function output the following: SIFT: "Deleterious"; PolyPhen-2: "Possibly Damaging"; Align-GVGD: "Class C0". The tryptophan amino acid residue is found in multiple mammalian species, which suggests that this missense change does not adversely affect protein function. This missense change has been observed in individual(s) with deafness (Invitae). This variant is present in population databases (rs377358503, gnomAD 0.003%). This sequence change replaces arginine, which is basic and polar, with tryptophan, which is neutral and slightly polar, at codon 751 of the TRIOBP protein (p.Arg751Trp).